The following is an entry in ClinVar:

NM_001035.3(RYR2):c.4414G>A (p.Glu1472Lys)

Gene: RYR2 (ryanodine receptor 2; plus strand). Cytogenetic location: 1q43.
Variant type: single nucleotide variant.
Coding change: c.4414G>A on transcript NM_001035.3 (MANE Select); coding-DNA position 4414, G replaced by A.
Protein change: p.Glu1472Lys; replaces glutamic acid 1472 with lysine.
Molecular consequence: missense variant.
Genome position (GRCh38, 1-based): chr1:237,593,614, G>A. VCF-style: chr1-237593614-G-A. GRCh37 (hg19) VCF-style: chr1-237756914-G-A.
Other names: short protein forms E1472K.
Identifiers: ClinVar variation 4976296 (VCV004976296.1).

ClinVar aggregate classification (germline): Uncertain significance (1 of 4 stars; one submission).

Submission:

GeneDx
Classification: Uncertain significance. Last evaluated: 2026-02-05. Review status: criteria provided, single submitter. Criteria: GeneDx Variant Classification Process June 2021. Collection method: clinical testing. Allele origin: germline.
Comment: Not observed at significant frequency in large population cohorts (gnomAD); In silico analysis supports that this missense variant has a deleterious effect on protein structure/function; Has not been previously published as pathogenic or benign to our knowledge; Not located in one of the three hot-spot regions of the RYR2 gene, where the majority of pathogenic missense variants occur (PMID: 19926015); This variant is associated with the following publications: (PMID: 19926015)